The following is an entry in ClinVar:

ClinVar aggregate classification (germline): Benign/Likely benign. Review status: criteria provided, multiple submitters, no conflicts (2 of 4 stars). 3 submissions from 3 submitters: Benign (1); Likely benign (2). Last evaluated 2026-01-18.

Allele frequency attached by ClinVar (database versions not stated): gnomAD 0.00013 and 0.00012; TOPMed 0.00018; gnomAD exomes 0.00033; 1000 Genomes Project 30x 0.00047; ExAC 0.00054; 1000 Genomes Project 0.00060.
gnomAD v4.1: 472 of 1,608,222 alleles (0.029%); highest among the groups gnomAD compares: Admixed American, 0.077%; 1 homozygote.

Submissions (3):

Labcorp Genetics (formerly Invitae), Labcorp
Classification: Benign. Last evaluated: 2026-01-18. Review status: criteria provided, single submitter. Criteria: Invitae Variant Classification Sherloc (09022015). Collection method: clinical testing. Allele origin: germline.

CeGaT Center for Human Genetics Tuebingen
Classification: Likely benign. Last evaluated: 2025-09-01. Review status: criteria provided, single submitter. Criteria: CeGaT Center For Human Genetics Tuebingen Variant Classification Criteria Version 2. Collection method: clinical testing. Allele origin: germline. Affected: yes. Observed: 2 variant alleles.
Comment: TUBGCP6: BP4, BP7

Blueprint Genetics
Classification: Likely benign. Last evaluated: 2024-10-07. Review status: criteria provided, single submitter. Criteria: ACMG Guidelines, 2015. Collection method: clinical testing. Allele origin: germline.

NM_020461.4(TUBGCP6):c.1611C>T (p.His537=)

Gene: TUBGCP6 (tubulin gamma complex component 6; minus strand). Cytogenetic location: 22q13.33.
Variant type: single nucleotide variant.
Coding change: c.1611C>T on transcript NM_020461.4 (MANE Select); coding-DNA position 1611, C replaced by T.
Protein change: p.His537=; no amino-acid change (histidine 537 retained).
Molecular consequence: synonymous variant.
Genome position (GRCh38, 1-based): chr22:50,226,369, G>A on the plus strand (C>T on the coding strand, the complement: TUBGCP6 is on the minus strand). VCF-style: chr22-50226369-G-A. GRCh37 (hg19) VCF-style: chr22-50664798-G-A.
Identifiers: ClinVar variation 743552 (VCV000743552.35), dbSNP rs201235588, ClinGen allele CA10308580.
Genomic context (GRCh38, chr22:50,226,369, plus strand): 5'-GTTCACCTGAATCATGAACTCGCCATAAGCGTCTCTGAACACCCCGCTGTACACCCAGTC[G>A]TGGATGAACCTGCAGTGGGGGAAAAGCAGGGGTAGATGTGGTCAACGGAGAGGTGGGTGG-3'
Protein context (NP_065194.3, residues 527-547): TSCEPYTRFI[His537=]DWVYSGVFRD